The following is an entry in ClinVar:

NM_004004.6(GJB2):c.427C>T (p.Arg143Trp)

Gene: GJB2 (gap junction protein beta 2; minus strand). Cytogenetic location: 13q12.11.
Variant type: single nucleotide variant.
Coding change: c.427C>T on transcript NM_004004.6 (MANE Select); coding-DNA position 427, C replaced by T.
Protein change: p.Arg143Trp; replaces arginine 143 with tryptophan.
Molecular consequence: missense variant.
Genome position (GRCh38, 1-based): chr13:20,189,155, G>A on the plus strand (C>T on the coding strand, the complement: GJB2 is on the minus strand). VCF-style: chr13-20189155-G-A. GRCh37 (hg19) VCF-style: chr13-20763294-G-A.
Other names: short protein forms R143W.
Identifiers: ClinVar variation 17009 (VCV000017009.105), dbSNP rs80338948, ClinGen allele CA172234.
Genomic context (GRCh38, chr13:20,189,155, plus strand): 5'-TGGAGAAGCCGTCGTACATGACATAGAAGACGTACATGAAGGCGGCTTCGAAGATGACCC[G>A]GAAGAAGATGCTGCTTGTGTAGGTCCACCACAGGGAGCCTTCGATGCGGACCTTCTGGGT-3'
Protein context (NP_003995.2, residues 133-153): WWTYTSSIFF[Arg143Trp]VIFEAAFMYV

ClinVar aggregate classification (germline): Pathogenic/Likely pathogenic. Review status: criteria provided, multiple submitters, no conflicts (2 of 4 stars). 33 submissions from 33 submitters: Pathogenic (25); Likely pathogenic (1). 7 of the submissions do not count toward it. Last evaluated 2026-10-23.

Conditions:
GJB2-related disorder. Also called: GJB2-related condition; GJB2-related disorders. Identifiers: MedGen CN382183, MONDO:1060236.
Rare genetic deafness. Identifiers: Orphanet 96210, MedGen C5680250.
Monogenic hearing loss.
Palmoplantar keratoderma-deafness syndrome. Also called: Keratoderma palmoplantar, with deafness; Palmoplantar keratoderma and sensorineural deafness; Hereditary palmoplantar keratoderma with deafness (subtype); Focal palmoplantar keratoderma with sensorineural deafness (subtype); Diffuse palmoplantar keratoderma with deafness (subtype). Identifiers: Orphanet 2202, MedGen C1835672, MONDO:0007852, OMIM 148350.
Knuckle pads, deafness AND leukonychia syndrome. Also called: Bart-Pumphrey syndrome. Identifiers: Orphanet 2698, MedGen C0266004, MONDO:0007866, OMIM 149200.
Mutilating keratoderma (VOWNKL). Also called: Keratoderma hereditarium mutilans. Identifiers: Orphanet 494, MedGen C0265964, MONDO:0007422, OMIM 124500.
Hearing loss. Identifiers: MedGen C3887873.
Autosomal recessive nonsyndromic hearing loss 1A (DFNB1A). Also called: Deafness, autosomal recessive 1A; GJB2-Related Autosomal Recessive Nonsyndromic Hearing Loss; Connexin 26 deafness; Deafness nonsyndromic, Connexin 26 linked; Nonsyndromic Hearing Loss and Deafness, DFNB1; GJB6-Related DFNB 1 Nonsyndromic Hearing Loss and Deafness. Identifiers: Orphanet 90636, MedGen C2673759, MONDO:0009076, OMIM 220290.
Autosomal dominant keratitis-ichthyosis-hearing loss syndrome. Also called: HID SYNDROME; KID SYNDROME, AUTOSOMAL DOMINANT; Senter syndrome. Identifiers: Orphanet 477, MedGen C0265336, MONDO:0007850, OMIM 148210.
Autosomal dominant nonsyndromic hearing loss 3A. Identifiers: Orphanet 90635, MedGen C2675750, MONDO:0011103, OMIM 601544.
Ichthyosis, hystrix-like, with hearing loss. Also called: Hystrix-like ichthyosis with deafness. Identifiers: Orphanet 477, MedGen C1865234, MONDO:0011245.
Nonsyndromic genetic hearing loss. Also called: Nonsyndromic hearing loss and deafness; Non-syndromic genetic deafness; Nonsyndromic genetic deafness. Identifiers: Orphanet 87884, MedGen C5680182, MONDO:0019497.
Hearing impairment. Also called: Impaired Hearing. Identifiers: MedGen C1384666, MONDO:0005365, HP:0000365.

Allele frequency attached by ClinVar (database versions not stated): gnomAD exomes 0.00009 and 0.00012; ExAC 0.00017; gnomAD 0.00019 and 0.00021; 1000 Genomes Project 0.00020; 1000 Genomes Project 30x 0.00016; TOPMed 0.00025.
gnomAD v4.1: 167 of 1,614,088 alleles (0.01%); highest among the groups gnomAD compares: African/African-American, 0.091%; no homozygotes.

Submissions 1 to 8 of 33:

GeneDx
Classification: Pathogenic. Last evaluated: 2026-10-23. Review status: criteria provided, single submitter. Criteria: GeneDx Variant Classification Process June 2021. Collection method: clinical testing. Allele origin: germline.
Comment: In silico analysis supports that this missense variant has a deleterious effect on protein structure/function; This variant is associated with the following publications: (PMID: 16300957, 25388846, 30455902, 39663698, 39843441, 32086913, 34943631, 25087612, 12833397, 21465647, 25266519, 15241677, 12562518, 19043807, 31370293, 31162818, 30146550, 32012697, 9393973, 15235031, 31541171, 31160754, 30275481, 32645618, 33597575, 33096615, 31589614, 29871260, 33297549, 32067424, 36147510, 34599368, 35114279, 35939872, 37108562, 35336849, 36493725, 35982127, 9471561, 38069086, 34519870, 37561809, 36048236, 35853923, 37528592, 37688579, 39422539, 38730444, 34599366, 38456936, 28271504, 14985372, 18941476, 25085072, 25288386, 26043044, 26178431, 27792752, 22695344, 23638949, 24158611, 19715472, 20086306, 20022641, 20201936, 20381175, 20497192, 20708129, 21112098, 22498363, 15365987, 15666300, 15700112, 16380907, 16712961, 17426645, 17581693, 19366456, 10633133, 10982180, 11439000, 11556849, 11788148, 12167443, 12560944)

CeGaT Center for Human Genetics Tuebingen
Classification: Pathogenic. Last evaluated: 2026-09-01. Review status: criteria provided, single submitter. Criteria: CeGaT Center For Human Genetics Tuebingen Variant Classification Criteria Version 2. Collection method: clinical testing. Allele origin: germline. Affected: yes. Observed: 2 variant alleles.
Comment: GJB2: PM3:Very Strong, PM2, PM5, PS3:Supporting

Genetics Laboratory, Great Ormond Street Hospital NHS Foundation Trust, North Thames Genomic Laboratory Hub
Classification: Pathogenic for Monogenic hearing loss. Last evaluated: 2026-06-14. Review status: criteria provided, single submitter. Criteria: ACGS Best Practice Guidelines for Variant Classification in Rare Disease 2024 v1.2. Collection method: clinical testing. Allele origin: germline. Affected: yes.
Comment: PM2_moderate, PP3_supporting, PS3_supporting, PM3_very-strong

PreventionGenetics, part of Exact Sciences
Classification: Pathogenic for GJB2-related condition. Last evaluated: 2026-04-08. Review status: criteria provided, single submitter. Criteria: ACMG Guidelines, 2015. Collection method: clinical testing. Allele origin: germline.
Comment: The GJB2 c.427C>T variant is predicted to result in the amino acid substitution p.Arg143Trp. This variant has been reported in multiple individuals with autosomal recessive nonsyndromic hearing loss (Brobby et al. 1998. PubMed ID: 9471561; Maheshwari et al. 2003. PubMed ID: 12833397; Abe et al. 2018. PubMed ID: 30455902). This variant is reported in 0.072% of alleles in individuals of African descent in gnomAD. This variant is interpreted as pathogenic.

Labcorp Genetics (formerly Invitae), Labcorp
Classification: Pathogenic. Last evaluated: 2026-01-28. Review status: criteria provided, single submitter. Criteria: Invitae Variant Classification Sherloc (09022015). Collection method: clinical testing. Allele origin: germline.
Comment: This sequence change replaces arginine, which is basic and polar, with tryptophan, which is neutral and slightly polar, at codon 143 of the GJB2 protein (p.Arg143Trp). This variant is present in population databases (rs80338948, gnomAD 0.07%). This missense change has been observed in individuals with hearing loss (PMID: 15365987, 15617546, 18941476, 19715472, 23638949, 26061264, 27792752). ClinVar contains an entry for this variant (Variation ID: 17009). Invitae Evidence Modeling of protein sequence and biophysical properties (such as structural, functional, and spatial information, amino acid conservation, physicochemical variation, residue mobility, and thermodynamic stability) indicates that this missense variant is expected to disrupt GJB2 protein function with a positive predictive value of 95%. Experimental studies have shown that this missense change affects GJB2 function (PMID: 9393973, 15235031). For these reasons, this variant has been classified as Pathogenic.

Variantyx, Inc.
Classification: Likely pathogenic for Autosomal recessive nonsyndromic hearing loss 1A. Last evaluated: 2025-10-30. Review status: criteria provided, single submitter. Criteria: Variantyx Assertion Criteria 2022. Collection method: clinical testing. Allele origin: germline. Inheritance: Autosomal recessive inheritance. Affected: yes.
Comment: This is a nonsynonymous variant in the GJB2 gene (OMIM: 121011). Pathogenic variants in this gene have been associated with autosomal recessive hearing loss 1A. This variant has been identified in the homozygous or compound heterozygous state in at least three individuals reported in the published literature (PMID: 10633133, 9471561) (PM3). This variant has been observed to segregate with disease in at least one individuals from one family (PMID: 10633133, 9471561) (PP1). Alternate amino acid change(s) at this position (p.Arg143Gln, p..Arg143Pro) have been previously reported in similarly affected individuals, which suggests that this residue is biologically important (PMID: 21040787, 20096356) (PM5). Multiple computational algorithms predict a deleterious effect for this variant (REVEL score: 0.918) (PP3). This variant has a 0.0906% maximum allele frequency in non-founder control populations.¬† Based on the CSPEC guidelines, this variant is classified as pathogenic for autosomal recessive hearing loss 1A with the following lines of evidence: PP3_Modearte, PP1_Supporting,¬†PM3_Modearte, PM5_Modearte. Based on the genomic data, these variants are in trans.

Natera, Inc.
Classification: Pathogenic for Autosomal recessive deafness type 1A. Last evaluated: 2025-07-07. Review status: criteria provided, single submitter. Criteria: Natera Variant Classification Schema (03/2026). Collection method: clinical testing. Allele origin: germline.
Comment: The c.427C>T variant in GJB2 is a missense variant predicted to cause substitution of arginine to tryptophan at amino acid 143. This variant is rare in the general population with a frequency below the threshold expected for the associated phenotype(s). This variant has been observed in one or more individuals affected with the associated recessive disease, as either homozygous or compound heterozygous with a second variant (PMID: 15666300, 21465647). Given the available evidence, this variant is classified as Pathogenic.

First Genomix Gene Laboratory, Genetic Diagnostics Department
Classification: Pathogenic for Autosomal recessive nonsyndromic hearing loss 1A. Last evaluated: 2025-05-01. Review status: criteria provided, single submitter. Criteria: ACMG Guidelines, 2015. Collection method: clinical testing. Allele origin: germline. Inheritance: Autosomal recessive inheritance. Affected: no. Observed: 1 variant allele.